The following is an entry in ClinVar:

NM_000260.4(MYO7A):c.4927G>A (p.Val1643Ile)

Gene: MYO7A (myosin VIIA; plus strand). Cytogenetic location: 11q13.5.
Variant type: single nucleotide variant.
Coding change: c.4927G>A on transcript NM_000260.4 (MANE Select); coding-DNA position 4927, G replaced by A.
Protein change: p.Val1643Ile; replaces valine 1643 with isoleucine.
Molecular consequence: missense variant.
Genome position (GRCh38, 1-based): chr11:77,201,522, G>A. VCF-style: chr11-77201522-G-A. GRCh37 (hg19) VCF-style: chr11-76912567-G-A.
Other names: c.4813G>A, p.Val1605Ile (NM_001127180.2); c.4780G>A, p.Val1594Ile (NM_001369365.1); short protein forms V1643I, V1594I, V1605I.
Identifiers: ClinVar variation 666881 (VCV000666881.5), dbSNP rs1591467534, ClinGen allele CA381951243.

ClinVar aggregate classification (germline): Uncertain significance. Review status: criteria provided, multiple submitters, no conflicts (2 of 4 stars). 2 submissions from 2 submitters: Uncertain significance (2). Last evaluated 2019-07-16.

Conditions:
Usher syndrome type 1 (USH1). Also called: RETINITIS PIGMENTOSA AND CONGENITAL DEAFNESS. Identifiers: Orphanet 231169, Orphanet 886, MedGen C1568247, MONDO:0010168, OMIM 276900.

Allele frequency attached by ClinVar (database versions not stated): gnomAD exomes below 0.00001.

Submissions (2):

Baylor Genetics
Classification: Uncertain significance for Usher syndrome type 1. Last evaluated: 2019-07-16. Review status: criteria provided, single submitter. Criteria: ACMG Guidelines, 2015. Collection method: clinical testing. Allele origin: unknown. Affected: yes.
Comment: This variant was determined to be of uncertain significance according to ACMG Guidelines, 2015 [PMID:25741868].

Laboratory for Molecular Medicine, Mass General Brigham Personalized Medicine
Classification: Uncertain significance. Last evaluated: 2018-05-18. Review status: criteria provided, single submitter. Criteria: LMM Criteria. Collection method: clinical testing. Allele origin: germline. Observed: 1 variant allele.
Comment: The p.Val1643Ile variant in MYO7A has not been reported in individuals with hear ing loss or Usher syndrome and was absent from large population studies. Computa tional prediction tools and conservation analysis suggest that this variant may not impact the protein, though this information is not predictive enough to rule out pathogenicity. In summary, the clinical significance of the p.Val1643Ile va riant is uncertain. ACMG/AMP Criteria applied: PM2, BP4.